The following is an entry in ClinVar:

NM_004655.4(AXIN2):c.1558C>T (p.His520Tyr)

Gene: AXIN2 (axin 2; minus strand). Cytogenetic location: 17q24.1.
Variant type: single nucleotide variant.
Coding change: c.1558C>T on transcript NM_004655.4 (MANE Select); coding-DNA position 1558, C replaced by T.
Protein change: p.His520Tyr; replaces histidine 520 with tyrosine.
Molecular consequence: missense variant.
Genome position (GRCh38, 1-based): chr17:65,537,478, G>A on the plus strand (C>T on the coding strand, the complement: AXIN2 is on the minus strand). VCF-style: chr17-65537478-G-A. GRCh37 (hg19) VCF-style: chr17-63533596-G-A.
Other names: c.1558C>T, p.His520Tyr (NM_001363813.1); short protein forms H520Y.
Identifiers: ClinVar variation 1407110 (VCV001407110.9), dbSNP rs2043949422, ClinGen allele CA400677267.

ClinVar aggregate classification (germline): Uncertain significance. Review status: criteria provided, multiple submitters, no conflicts (2 of 4 stars). 2 submissions from 2 submitters: Uncertain significance (2). Last evaluated 2025-05-14.

Conditions:
Hereditary cancer-predisposing syndrome. Also called: Hereditary neoplastic syndrome; Hereditary Cancer Syndrome; Neoplastic Syndromes, Hereditary; Tumor predisposition. Identifiers: Orphanet 140162, MedGen C0027672, MeSH D009386, MONDO:0015356.
Oligodontia-cancer predisposition syndrome. Also called: TOOTH AGENESIS-COLORECTAL CANCER SYNDROME. Identifiers: Orphanet 300576, MedGen C1837750, MONDO:0012075, OMIM 608615. Disease mechanism: loss of function.

Allele frequency attached by ClinVar (database versions not stated): gnomAD exomes below 0.00001.

Submissions (2):

Ambry Genetics
Classification: Uncertain significance for Hereditary cancer-predisposing syndrome. Last evaluated: 2025-05-14. Review status: criteria provided, single submitter. Criteria: Ambry Variant Classification Scheme 2023. Collection method: clinical testing. Allele origin: germline.

Labcorp Genetics (formerly Invitae), Labcorp
Classification: Uncertain significance for Oligodontia-cancer predisposition syndrome. Last evaluated: 2022-12-29. Review status: criteria provided, single submitter. Criteria: Invitae Variant Classification Sherloc (09022015). Collection method: clinical testing. Allele origin: germline.
Comment: This sequence change replaces histidine, which is basic and polar, with tyrosine, which is neutral and polar, at codon 520 of the AXIN2 protein (p.His520Tyr). In summary, the available evidence is currently insufficient to determine the role of this variant in disease. Therefore, it has been classified as a Variant of Uncertain Significance. Algorithms developed to predict the effect of missense changes on protein structure and function (SIFT, PolyPhen-2, Align-GVGD) all suggest that this variant is likely to be disruptive. ClinVar contains an entry for this variant (Variation ID: 1407110). This variant has not been reported in the literature in individuals affected with AXIN2-related conditions. This variant is not present in population databases (gnomAD no frequency).